The following is an entry in ClinVar:

NM_032444.4(SLX4):c.2449del (p.Glu817fs)

Gene: SLX4 (SLX4 structure-specific endonuclease subunit; minus strand). Cytogenetic location: 16p13.3.
Variant type: Deletion.
Coding change: c.2449del on transcript NM_032444.4 (MANE Select); coding-DNA position 2449, one base deleted (G; older notation c.2449delG).
Protein change: p.Glu817fs; shifts the reading frame from glutamic acid 817.
Molecular consequence: frameshift variant.
Genome position (GRCh38, 1-based): chr16:3,591,189, C deleted on the plus strand (G on the coding strand, the reverse complement: SLX4 is on the minus strand); the first of 2 consecutive C bases (chr16:3,591,189-3,591,190); deleting either gives the same sequence. VCF-style (leftmost placement, unchanged base first): chr16-3591188-TC-T. GRCh37 (hg19) VCF-style: chr16-3641189-TC-T.
Other names: c.2449del (LRG_503t1); short protein forms E817fs.
Identifiers: ClinVar variation 576783 (VCV000576783.6), dbSNP rs1567170994, ClinGen allele CA891844481.

ClinVar aggregate classification (germline): Pathogenic (1 of 4 stars; one submission).

Conditions:
Fanconi anemia (FA). Also called: Fanconi's anemia. Identifiers: Orphanet 84, MedGen C0015625, MeSH D005199, MONDO:0019391.

Submission:

Labcorp Genetics (formerly Invitae), Labcorp
Classification: Pathogenic for Fanconi anemia. Last evaluated: 2017-09-07. Review status: criteria provided, single submitter. Criteria: Invitae Variant Classification Sherloc (09022015). Collection method: clinical testing. Allele origin: germline.
Comment: For these reasons, this variant has been classified as Pathogenic. Loss-of-function variants in SLX4 are known to be pathogenic (PMID: 21240277). This variant has not been reported in the literature in individuals with SLX4-related disease. This variant is not present in population databases (ExAC no frequency). This sequence change creates a premature translational stop signal (p.Glu817Asnfs*3) in the SLX4 gene. It is expected to result in an absent or disrupted protein product.

Literature cited by the submitters: PubMed 21240277.